The following is an entry in ClinVar:

NM_004247.4(EFTUD2):c.1286-2A>C

Gene: EFTUD2 (elongation factor Tu GTP binding domain containing 2; minus strand). Cytogenetic location: 17q21.31.
Variant type: single nucleotide variant.
Coding change: c.1286-2A>C on transcript NM_004247.4 (MANE Select); the canonical splice acceptor site of the intron before coding-DNA position 1286, A replaced by C.
Molecular consequence: splice acceptor variant.
Genome position (GRCh38, 1-based): chr17:44,863,784, T>G on the plus strand (A>C on the coding strand, the complement: EFTUD2 is on the minus strand). VCF-style: chr17-44863784-T-G. GRCh37 (hg19) VCF-style: chr17-42941152-T-G.
Other names: c.1181-2A>C (NM_001142605.2); c.1256-2A>C (NM_001258354.2); c.1286-2A>C (NM_001258353.2).
Identifiers: ClinVar variation 3901984 (VCV003901984.1).

ClinVar aggregate classification (germline): Likely pathogenic (1 of 4 stars; one submission).

Conditions:
Mandibulofacial dysostosis-microcephaly syndrome (MFDGA). Also called: Growth and mental retardation, mandibulofacial dysostosis, microcephaly, and cleft palate; Mandibulofacial dysostosis, Guion-Almeida type. Identifiers: Orphanet 79113, MedGen C1864652, MONDO:0012516, OMIM 610536.

Submission:

Laboratorio de Genetica e Diagnostico Molecular, Hospital Israelita Albert Einstein
Classification: Likely pathogenic for Mandibulofacial dysostosis-microcephaly syndrome. Last evaluated: 2025-03-28. Review status: criteria provided, single submitter. Criteria: ACMG Guidelines, 2015. Collection method: clinical testing. Allele origin: germline. Affected: yes.
Comment: ACMG classification criteria: PVS1 very strong, PM2 supporting